The following is an entry in ClinVar:

NM_000057.4(BLM):c.2079_2080del (p.Gly693_Gly694insTer)

Gene: BLM (BLM RecQ like helicase; plus strand). Cytogenetic location: 15q26.1.
Variant type: Deletion.
Coding change: c.2079_2080del on transcript NM_000057.4 (MANE Select); coding-DNA positions 2079 to 2080, 2 bases deleted (TG; older notation c.2079_2080delTG).
Protein change: p.Gly693_Gly694insTer.
Molecular consequence: frameshift variant.
Genome position (GRCh38, 1-based): chr15:90,765,300-90,765,301, TG deleted; deleting any 2 consecutive bases within chr15:90,765,299-90,765,301 gives the same sequence; the c. name uses the placement nearest the transcript's 3' end. VCF-style (leftmost placement, unchanged base first): chr15-90765298-GGT-G. GRCh37 (hg19) VCF-style: chr15-91308528-GGT-G.
Other names: c.2079_2080del, p.Gly693_Gly694insTer (NM_001287246.2, NM_001287247.2); c.954_955del, p.Gly318_Gly319insTer (NM_001287248.2).
Identifiers: ClinVar variation 2742803 (VCV002742803.3), dbSNP rs2505440995, ClinGen allele CA2697549382.

ClinVar aggregate classification (germline): Pathogenic (1 of 4 stars; one submission).

Conditions:
Bloom syndrome (BLM). Also called: Bloom-Torre-Machacek syndrome. Identifiers: Orphanet 125, MedGen C0005859, MONDO:0008876, OMIM 210900.

Submission:

Labcorp Genetics (formerly Invitae), Labcorp
Classification: Pathogenic for Bloom syndrome. Last evaluated: 2023-07-12. Review status: criteria provided, single submitter. Criteria: Invitae Variant Classification Sherloc (09022015). Collection method: clinical testing. Allele origin: germline.
Comment: For these reasons, this variant has been classified as Pathogenic. This variant has not been reported in the literature in individuals affected with BLM-related conditions. This variant is not present in population databases (gnomAD no frequency). This sequence change creates a premature translational stop signal (p.Gly694*) in the BLM gene. It is expected to result in an absent or disrupted protein product. Loss-of-function variants in BLM are known to be pathogenic (PMID: 17407155).

Literature cited by the submitters: PubMed 17407155.